The following is an entry in ClinVar:

ClinVar aggregate classification (germline): Conflicting classifications of pathogenicity. Review status: criteria provided, conflicting classifications (1 of 4 stars). 6 submissions from 6 submitters: Likely pathogenic (5); Uncertain significance (1). Last evaluated 2025-08-29.

Conditions:
Hypophosphatasia. Also called: Phosphoethanol-aminuria. Identifiers: Orphanet 436, MedGen C0020630, MeSH D007014, MONDO:0018570.
ALPL-related disorder. Also called: ALPL-related disorders; ALPL-related condition.

Allele frequency attached by ClinVar (database versions not stated): gnomAD exomes below 0.00001; ExAC 0.00001.
gnomAD v4.1: 3 of 1,614,154 alleles (0.00019%); highest among the groups gnomAD compares: Non-Finnish European, 0.00017%; no homozygotes.

Submissions (6):

Genomenon, Inc
Classification: Likely pathogenic for Hypophosphatasia. Last evaluated: 2025-08-29. Review status: criteria provided, single submitter. Criteria: Genomenon Sequence Variant Interpretation Standards. Collection method: curation. Allele origin: germline. Affected: yes.
Comment: ALPL c.1000G>A is a missense variant that changes the amino acid at residue 334 from Glycine to Serine. This variant has been observed in at least one proband affected with hypophosphatasia (PMID:35878747). It is absent or not present at a significant frequency in gnomAD. In silico models agree that this variant is possibly or probably damaging. The presence of pathogenic missense variant(s) at the same amino acid position indicates that this residue is likely important for protein function. In conclusion, we classify ALPL p.Gly334Ser (c.1000G>A) as a likely pathogenic variant.

Women's Health and Genetics/Laboratory Corporation of America, LabCorp
Classification: Likely pathogenic for Hypophosphatasia. Last evaluated: 2025-06-24. Review status: criteria provided, single submitter. Criteria: LabCorp Variant Classification Summary - May 2015. Collection method: clinical testing. Allele origin: germline.
Comment: Variant summary: ALPL c.1000G>A (p.Gly334Ser) results in a non-conservative amino acid change in the encoded protein sequence. Algorithms developed to predict the effect of missense changes on protein structure and function all suggest that this variant is likely to be disruptive. Consensus agreement among computation tools predict no significant impact on normal splicing. However, these predictions have yet to be confirmed by functional studies. The variant allele was found at a frequency of 4e-06 in 250966 control chromosomes (gnomAD). c.1000G>A has been observed in individuals affected with Hypophosphatasia (Shajani-Yi_2022, internal data). These data indicate that the variant may be associated with disease. At least one publication reports experimental evidence evaluating an impact on protein function and this variant affected the ALPL protein function (Farman_2025). The following publications have been ascertained in the context of this evaluation (PMID: 40386289, 35878747). ClinVar contains an entry for this variant (Variation ID: 1932270). Based on the evidence outlined above, the variant was classified as likely pathogenic.

PreventionGenetics, part of Exact Sciences
Classification: Likely pathogenic for ALPL-related condition. Last evaluated: 2025-03-07. Review status: criteria provided, single submitter. Criteria: ACMG Guidelines, 2015. Collection method: clinical testing. Allele origin: germline.
Comment: The ALPL c.1000G>A variant is predicted to result in the amino acid substitution p.Gly334Ser. This variant has been reported in an individual with hypophosphatasia (Shajani-Yi et al. 2022. PubMed ID: 35878747). This variant is reported in 0.00088% of alleles in individuals of European (non-Finnish) descent in gnomAD. Different substitutions affecting the same amino acid (Gly334Arg and Gly334Asp) have also been reported in individuals with hypophosphatasia (Fauvert et al. 2009. PubMed ID: 19500388; reported as p.Gly317Asp, Greenberg et al. 1993. PubMed ID: 8406453; Hofmann et al. 2014. PubMed ID: 24569605; Orimo et al. 2002. PubMed ID: 12638946; Mornet et al. 1998. PubMed ID: 9781036). This variant is interpreted as likely pathogenic.

Blueprint Genetics
Classification: Uncertain significance. Last evaluated: 2024-03-13. Review status: criteria provided, single submitter. Criteria: ACMG Guidelines, 2015. Collection method: clinical testing. Allele origin: germline.

JKU Lab, Dept of Paediatrics, Johannes Kepler University
Classification: Likely pathogenic for Hypophosphatasia. Last evaluated: 2022-12-13. Review status: criteria provided, single submitter. Criteria: ACMG Guidelines, 2015. Collection method: clinical testing. Allele origin: germline. Affected: yes. Observed: 1 compound heterozygote.
Comment: Absent from GnomAD. Functional studies show low residual activity. Further details on functional study results and ACMG criteria used can be looked up in the ALPL gene variant database.

Labcorp Genetics (formerly Invitae), Labcorp
Classification: Likely pathogenic. Last evaluated: 2022-05-06. Review status: criteria provided, single submitter. Criteria: Invitae Variant Classification Sherloc (09022015). Collection method: clinical testing. Allele origin: germline.
Comment: In summary, the currently available evidence indicates that the variant is pathogenic, but additional data are needed to prove that conclusively. Therefore, this variant has been classified as Likely Pathogenic. This variant is present in population databases (rs769955594, gnomAD 0.0009%). This missense change has been observed in individual(s) with hypophosphatasia (Invitae). Algorithms developed to predict the effect of missense changes on protein structure and function are either unavailable or do not agree on the potential impact of this missense change (SIFT: "Not Available"; PolyPhen-2: "Probably Damaging"; Align-GVGD: "Not Available"). Algorithms developed to predict the effect of sequence changes on RNA splicing suggest that this variant may create or strengthen a splice site. This variant disrupts the p.Gly334 amino acid residue in ALPL. Other variant(s) that disrupt this residue have been determined to be pathogenic (PMID: 8406453, 19500388, 24569605). This suggests that this residue is clinically significant, and that variants that disrupt this residue are likely to be disease-causing. This sequence change replaces glycine, which is neutral and non-polar, with serine, which is neutral and polar, at codon 334 of the ALPL protein (p.Gly334Ser).

Literature cited by the submitters: PubMed 35878747 (cited by Genomenon, Inc and Women's Health and Genetics/Laboratory Corporation of America, LabCorp); PubMed 40386289 (cited by Women's Health and Genetics/Laboratory Corporation of America, LabCorp); PubMed 8406453 (cited by Labcorp Genetics (formerly Invitae), Labcorp); PubMed 19500388 (cited by Labcorp Genetics (formerly Invitae), Labcorp); PubMed 24569605 (cited by Labcorp Genetics (formerly Invitae), Labcorp).

NM_000478.6(ALPL):c.1000G>A (p.Gly334Ser)

Gene: ALPL (alkaline phosphatase, biomineralization associated; plus strand). Cytogenetic location: 1p36.12.
Variant type: single nucleotide variant.
Coding change: c.1000G>A on transcript NM_000478.6 (MANE Select); coding-DNA position 1000, G replaced by A.
Protein change: p.Gly334Ser; replaces glycine 334 with serine.
Molecular consequence: missense variant.
Genome position (GRCh38, 1-based): chr1:21,575,735, G>A. VCF-style: chr1-21575735-G-A. GRCh37 (hg19) VCF-style: chr1-21902228-G-A.
Other names: c.1000G>A (NM_000478.5); c.835G>A, p.Gly279Ser (NM_001127501.4); c.769G>A, p.Gly257Ser (NM_001177520.3); c.1000G>A, p.Gly334Ser (NM_001369803.2, NM_001369804.2, NM_001369805.2); short protein forms G257S, G279S, G334S.
Identifiers: ClinVar variation 1932270 (VCV001932270.12), dbSNP rs769955594, ClinGen allele CA666718.